The following is an entry in ClinVar:

NM_030930.4(UNC93B1):c.1724_1725delinsAG (p.Pro575Gln)

Gene: UNC93B1 (unc-93B1 regulator of TLR signaling; minus strand). Cytogenetic location: 11q13.2.
Variant type: Indel.
Coding change: c.1724_1725delinsAG on transcript NM_030930.4 (MANE Select); coding-DNA positions 1724 to 1725, CC replaced by AG.
Protein change: p.Pro575Gln; replaces proline 575 with glutamine.
Molecular consequence: missense variant.
Genome position (GRCh38, 1-based): chr11:67,991,615-67,991,616, GG replaced by CT on the plus strand (CC replaced by AG on the coding strand, the reverse complement: UNC93B1 is on the minus strand). VCF-style: chr11-67991615-GG-CT. GRCh37 (hg19) VCF-style: chr11-67759086-GG-CT.
Other names: c.1724_1725delinsAG (NM_030930.3); short protein forms P575Q.
Identifiers: ClinVar variation 470494 (VCV000470494.14), dbSNP rs1554984685, ClinGen allele CA645582053.

ClinVar aggregate classification (germline): Benign/Likely benign. Review status: criteria provided, multiple submitters, no conflicts (2 of 4 stars). 3 submissions from 3 submitters: Benign (1); Likely benign (2). Last evaluated 2026-08-01.

Conditions:
Encephalopathy, acute, infection-induced (herpes-specific), susceptibility to, 1. Also called: Herpes simplex encephalitis, susceptibility to, 1. Identifiers: Orphanet 1930, MedGen C2750180, MONDO:0024563, OMIM 610551.

Submissions (3):

CeGaT Center for Human Genetics Tuebingen
Classification: Likely benign. Last evaluated: 2026-08-01. Review status: criteria provided, single submitter. Criteria: CeGaT Center For Human Genetics Tuebingen Variant Classification Criteria Version 2. Collection method: clinical testing. Allele origin: germline. Affected: yes. Observed: 1 variant allele.
Comment: UNC93B1: BS1

Labcorp Genetics (formerly Invitae), Labcorp
Classification: Benign for Encephalopathy, acute, infection-induced (herpes-specific), susceptibility to, 1. Last evaluated: 2026-02-01. Review status: criteria provided, single submitter. Criteria: Invitae Variant Classification Sherloc (09022015). Collection method: clinical testing. Allele origin: germline.

Fulgent Genetics
Classification: Likely benign for Encephalopathy, acute, infection-induced (herpes-specific), susceptibility to, 1. Last evaluated: 2022-04-15. Review status: criteria provided, single submitter. Criteria: ACMG Guidelines, 2015. Collection method: clinical testing. Allele origin: unknown.